The following is an entry in ClinVar:

NM_001282534.2(KCNK9):c.803G>A (p.Arg268His)

Gene: KCNK9 (potassium two pore domain channel subfamily K member 9; minus strand). Cytogenetic location: 8q24.3.
Variant type: single nucleotide variant.
Coding change: c.803G>A on transcript NM_001282534.2 (MANE Select); coding-DNA position 803, G replaced by A.
Protein change: p.Arg268His; replaces arginine 268 with histidine.
Molecular consequence: missense variant. On other transcripts: non-coding transcript variant (1).
Genome position (GRCh38, 1-based): chr8:139,618,580, C>T on the plus strand (G>A on the coding strand, the complement: KCNK9 is on the minus strand). VCF-style: chr8-139618580-C-T. GRCh37 (hg19) VCF-style: chr8-140630823-C-T.
Other names: c.803G>A, p.Arg268His (NM_016601.2); short protein forms R268H.
Identifiers: ClinVar variation 2658854 (VCV002658854.24), dbSNP rs201726948, ClinGen allele CA4892567.

ClinVar aggregate classification (germline): Likely benign (1 of 4 stars; one submission).

Allele frequency attached by ClinVar (database versions not stated): ESP Exome Variant Server 0.00015.
gnomAD v4.1: 95 of 1,613,546 alleles (0.0059%); highest among the groups gnomAD compares: Non-Finnish European, 0.0079%; no homozygotes.

Submission:

CeGaT Center for Human Genetics Tuebingen
Classification: Likely benign. Last evaluated: 2023-01-01. Review status: criteria provided, single submitter. Criteria: CeGaT Center For Human Genetics Tuebingen Variant Classification Criteria Version 2. Collection method: clinical testing. Allele origin: germline. Affected: yes. Observed: 1 variant allele.
Comment: KCNK9: BP4